The following is an entry in ClinVar:

NM_001387283.1(SMARCA4):c.4225C>T (p.Gln1409Ter)

Gene: SMARCA4 (SWI/SNF related BAF chromatin remodeling complex subunit ATPase 4; plus strand). Cytogenetic location: 19p13.2.
Variant type: single nucleotide variant.
Coding change: c.4225C>T on transcript NM_001387283.1 (MANE Plus Clinical); coding-DNA position 4225, C replaced by T.
Protein change: p.Gln1409Ter; replaces glutamine 1409 with a stop codon.
Molecular consequence: nonsense. On other transcripts: intron variant (7).
Genome position (GRCh38, 1-based): chr19:11,039,512, C>T. VCF-style: chr19-11039512-C-T. GRCh37 (hg19) VCF-style: chr19-11150188-C-T.
Other names: c.4225C>T, p.Gln1409Ter (NM_001128849.3); c.4126C>T, p.Gln1376Ter (NM_001411150.1); c.4171-1795C>T (NM_001128844.3, NM_003072.5); c.4072-1795C>T (NM_001128847.4, NM_001374457.1, NM_001128848.2); c.4072-1786C>T (NM_001128845.2, NM_001128846.2); short protein forms Q1409*, Q1376*.
Identifiers: ClinVar variation 3445980 (VCV003445980.1).

ClinVar aggregate classification (germline): Uncertain significance (1 of 4 stars; one submission).

Conditions:
Hereditary cancer-predisposing syndrome. Also called: Tumor predisposition; Neoplastic Syndromes, Hereditary; Hereditary neoplastic syndrome; Hereditary Cancer Syndrome. Identifiers: Orphanet 140162, MedGen C0027672, MeSH D009386, MONDO:0015356.

gnomAD v4.1: 2 of 1,601,992 alleles (0.00012%); highest among the groups gnomAD compares: South Asian, 0.0023%; no homozygotes.

Submission:

Ambry Genetics
Classification: Uncertain significance for Hereditary cancer-predisposing syndrome. Last evaluated: 2024-08-10. Review status: criteria provided, single submitter. Criteria: Ambry Variant Classification Scheme 2023. Collection method: clinical testing. Allele origin: germline.
Comment: The p.Q1409* variant (also known as c.4225C>T), located in coding exon 29 of the SMARCA4 gene, results from a C to T substitution at nucleotide position 4225. This changes the amino acid from a glutamine to a stop codon within coding exon 29. This alteration is expected to result in loss of function by premature protein truncation or nonsense-mediated mRNA decay. However, this region of the SMARCA4 gene is excluded from other biologically relevant SMARCA4 transcripts. Based on the available evidence, the clinical significance of this variant remains unclear.